The following is an entry in ClinVar:

ClinVar aggregate classification (germline): Uncertain significance (1 of 4 stars; one submission).

Conditions:
Hereditary cancer-predisposing syndrome. Also called: Hereditary neoplastic syndrome; Neoplastic Syndromes, Hereditary; Tumor predisposition; Hereditary Cancer Syndrome. Identifiers: Orphanet 140162, MedGen C0027672, MeSH D009386, MONDO:0015356.

Allele frequency attached by ClinVar (database versions not stated): gnomAD exomes below 0.00001.
gnomAD v4.1: 1 of 1,614,142 alleles (0.000062%); highest among the groups gnomAD compares: Non-Finnish European, 0.000085%; no homozygotes.

Submission:

Ambry Genetics
Classification: Uncertain significance for Hereditary cancer-predisposing syndrome. Last evaluated: 2019-12-30. Review status: criteria provided, single submitter. Criteria: Ambry Variant Classification Scheme 2023. Collection method: clinical testing. Allele origin: germline.
Comment: The p.Q2277P variant (also known as c.6830A>C), located in coding exon 46 of the ATM gene, results from an A to C substitution at nucleotide position 6830. The glutamine at codon 2277 is replaced by proline, an amino acid with similar properties. This amino acid position is well conserved in available vertebrate species. In addition, the in silico prediction for this alteration is inconclusive. Since supporting evidence is limited at this time, the clinical significance of this alteration remains unclear.

NM_000051.4(ATM):c.6830A>C (p.Gln2277Pro)

Genes: ATM (ATM serine/threonine kinase; plus strand), C11orf65 (chromosome 11 open reading frame 65; minus strand). Cytogenetic location: 11q22.3.
Variant type: single nucleotide variant.
Coding change: c.6830A>C on transcript NM_000051.4 (MANE Select); coding-DNA position 6830, A replaced by C.
Protein change: p.Gln2277Pro; replaces glutamine 2277 with proline.
Molecular consequence: missense variant. On other transcripts: intron variant (2).
Genome position (GRCh38, 1-based): chr11:108,326,080, A>C. VCF-style: chr11-108326080-A-C. GRCh37 (hg19) VCF-style: chr11-108196807-A-C.
Other names: c.6830A>C, p.Gln2277Pro (NM_001351834.2); c.641-17009T>G (NM_001330368.2); c.*38+9140T>G (NM_001351110.2); short protein forms Q2277P.
Identifiers: ClinVar variation 1755685 (VCV001755685.2), dbSNP rs2136332179, ClinGen allele CA382556553.
Genomic context (GRCh38, chr11:108,326,080, plus strand): 5'-GTAAAAGTATTTATTCCCATATGTCATTTTCATTTCAGCTCCCTGAAAGGGCAATATTTC[A>C]AATTAAACAGTACAATTCAGTTAGCTGTGGAGTCTCTGAGTGGCAGCTGGAAGAAGCACA-3'
Protein context (NP_000042.3, residues 2267-2287): NTQLPERAIF[Gln2277Pro]IKQYNSVSCG